The following is an entry in ClinVar:

ClinVar aggregate classification (germline): Uncertain significance (1 of 4 stars; one submission).

Conditions:
Congenital prothrombin deficiency. Also called: Factor II deficiency; Hereditary factor II deficiency disease; Inherited hypoprothrombinemia; Congenital factor II deficiency; Inherited prothrombin deficiency; HYPOPROTHROMBINEMIA. Identifiers: Orphanet 325, MedGen C0272317, MONDO:0013361, OMIM 613679.

Submission:

Labcorp Genetics (formerly Invitae), Labcorp
Classification: Uncertain significance for Congenital prothrombin deficiency. Last evaluated: 2025-12-15. Review status: criteria provided, single submitter. Criteria: Invitae Variant Classification Sherloc (09022015). Collection method: clinical testing. Allele origin: germline.
Comment: This sequence change replaces cysteine, which is neutral and slightly polar, with arginine, which is basic and polar, at codon 157 of the F2 protein (p.Cys157Arg). This variant is not present in population databases (gnomAD no frequency). This variant has not been reported in the literature in individuals affected with F2-related conditions. Invitae Evidence Modeling of protein sequence and biophysical properties (such as structural, functional, and spatial information, amino acid conservation, physicochemical variation, residue mobility, and thermodynamic stability) indicates that this missense variant is expected to disrupt F2 protein function with a positive predictive value of 80%. In summary, the available evidence is currently insufficient to determine the role of this variant in disease. Therefore, it has been classified as a Variant of Uncertain Significance.

NM_000506.5(F2):c.469T>C (p.Cys157Arg)

Gene: F2 (coagulation factor II, thrombin; plus strand). Cytogenetic location: 11p11.2.
Variant type: single nucleotide variant.
Coding change: c.469T>C on transcript NM_000506.5 (MANE Select); coding-DNA position 469, T replaced by C.
Protein change: p.Cys157Arg; replaces cysteine 157 with arginine.
Molecular consequence: missense variant.
Genome position (GRCh38, 1-based): chr11:46,723,428, T>C. VCF-style: chr11-46723428-T-C. GRCh37 (hg19) VCF-style: chr11-46744978-T-C.
Other names: short protein forms C157R.
Identifiers: ClinVar variation 4746636 (VCV004746636.1).
Genomic context (GRCh38, chr11:46,723,428, plus strand): 5'-ATTTCCTGTTCCAGAATCAACTCCACTACCCATCCTGGGGCCGACCTACAGGAGAATTTC[T>C]GCCGCAACCCCGACAGCAGCACCACGGGACCCTGGTGCTACACTACAGACCCCACCGTGA-3'
Protein context (NP_000497.1, residues 147-167): HPGADLQENF[Cys157Arg]RNPDSSTTGP